The following is an entry in ClinVar:

ClinVar aggregate classification (germline): Uncertain significance (1 of 4 stars; one submission).

Submission:

Centre of Medical Genetics, University Hospital Muenster
Classification: Uncertain significance. Last evaluated: 2024-06-27. Review status: criteria provided, single submitter. Criteria: ACMG Guidelines, 2015. Collection method: clinical testing. Allele origin: unknown. Affected: yes. Observed: 1 variant allele, 1 heterozygote.
Comment: ACMG categories: PM2,PP3

NM_144988.4(ALG14):c.133T>C (p.Ser45Pro)

Genes: ALG14 (ALG14 UDP-N-acetylglucosaminyltransferase subunit; minus strand), LOC129930989 (ATAC-STARR-seq lymphoblastoid active region 1353; plus strand). Cytogenetic location: 1p21.3.
Variant type: single nucleotide variant.
Coding change: c.133T>C on transcript NM_144988.4 (MANE Select); coding-DNA position 133, T replaced by C.
Protein change: p.Ser45Pro; replaces serine 45 with proline.
Molecular consequence: missense variant. On other transcripts: non-coding transcript variant (1).
Genome position (GRCh38, 1-based): chr1:95,072,766, A>G on the plus strand (T>C on the coding strand, the complement: ALG14 is on the minus strand). VCF-style: chr1-95072766-A-G. GRCh37 (hg19) VCF-style: chr1-95538322-A-G.
Other names: c.133T>C, p.Ser45Pro (NM_001305242.2); short protein forms S45P.
Identifiers: ClinVar variation 3248634 (VCV003248634.2), dbSNP rs760839239.
Genomic context (GRCh38, chr1:95,072,766, plus strand): 5'-CACTCTGGGGTTTGTAGTGACCAACCCAAGTCCGACAGTCGCCTCCTCGATACTTACCGG[A>G]CCCAGCCACTACCAAGATACTGAGAGACTCCCGGGGCGTAACGTCCATGGAACGAAGCAC-3'
Protein context (NP_659425.1, residues 35-55): ESLSILVVAG[Ser45Pro]GGHTTEILRL